The following is an entry in ClinVar:

ClinVar aggregate classification (germline): Uncertain significance. Review status: criteria provided, multiple submitters, no conflicts (2 of 4 stars). 3 submissions from 3 submitters: Uncertain significance (3). Last evaluated 2026-04-22.

Conditions:
Inborn genetic diseases. Identifiers: MedGen C0950123, MeSH D030342.

Allele frequency attached by ClinVar (database versions not stated): ESP Exome Variant Server 0.00008; TOPMed 0.00008.
gnomAD v4.1: 13 of 1,613,786 alleles (0.00081%); highest among the groups gnomAD compares: Admixed American, 0.015%; no homozygotes.

Submissions (3):

Ambry Genetics
Classification: Uncertain significance for Inborn genetic diseases. Last evaluated: 2026-04-22. Review status: criteria provided, single submitter. Criteria: Ambry Variant Classification Scheme 2023. Collection method: clinical testing. Allele origin: germline.

Labcorp Genetics (formerly Invitae), Labcorp
Classification: Uncertain significance. Last evaluated: 2021-08-31. Review status: criteria provided, single submitter. Criteria: Invitae Variant Classification Sherloc (09022015). Collection method: clinical testing. Allele origin: germline.
Comment: This sequence change replaces arginine with leucine at codon 1339 of the MYO15A protein (p.Arg1339Leu). The arginine residue is highly conserved and there is a moderate physicochemical difference between arginine and leucine. This variant is present in population databases (rs368407094, ExAC 0.002%). This variant has not been reported in the literature in individuals affected with MYO15A-related conditions. Advanced modeling of protein sequence and biophysical properties (such as structural, functional, and spatial information, amino acid conservation, physicochemical variation, residue mobility, and thermodynamic stability) performed at Invitae indicates that this missense variant is not expected to disrupt MYO15A protein function. In summary, the available evidence is currently insufficient to determine the role of this variant in disease. Therefore, it has been classified as a Variant of Uncertain Significance.

GeneDx
Classification: Uncertain significance. Last evaluated: 2019-06-05. Review status: criteria provided, single submitter. Criteria: GeneDx Variant Classification Process June 2021. Collection method: clinical testing. Allele origin: germline. Affected: yes.
Comment: Not observed at a significant frequency in large population cohorts (Lek et al., 2016); In silico analysis, which includes protein predictors and evolutionary conservation, supports a deleterious effect; Has not been previously published as pathogenic or benign to our knowledge

NM_016239.4(MYO15A):c.4016G>T (p.Arg1339Leu)

Gene: MYO15A (myosin XVA; plus strand). Cytogenetic location: 17p11.2.
Variant type: single nucleotide variant.
Coding change: c.4016G>T on transcript NM_016239.4 (MANE Select); coding-DNA position 4016, G replaced by T.
Protein change: p.Arg1339Leu; replaces arginine 1339 with leucine.
Molecular consequence: missense variant.
Genome position (GRCh38, 1-based): chr17:18,127,149, G>T. VCF-style: chr17-18127149-G-T. GRCh37 (hg19) VCF-style: chr17-18030463-G-T.
Other names: short protein forms R1339L.
Identifiers: ClinVar variation 1304607 (VCV001304607.8), dbSNP rs368407094, ClinGen allele CA8423691.